The following is an entry in ClinVar:

ClinVar aggregate classification (germline): Uncertain significance. Review status: criteria provided, multiple submitters, no conflicts (2 of 4 stars). 3 submissions from 3 submitters: Uncertain significance (3). Last evaluated 2025-02-16.

Conditions:
Platelet-type bleeding disorder 15 (BDPLT15). Also called: MACROTHROMBOCYTOPENIA, AUTOSOMAL DOMINANT, ACTN1-RELATED. Identifiers: Orphanet 140957, MedGen C3554663, MONDO:0014078, OMIM 615193.

Submissions (3):

Labcorp Genetics (formerly Invitae), Labcorp
Classification: Uncertain significance. Last evaluated: 2025-02-16. Review status: criteria provided, single submitter. Criteria: Invitae Variant Classification Sherloc (09022015). Collection method: clinical testing. Allele origin: germline.
Comment: This sequence change replaces proline, which is neutral and non-polar, with threonine, which is neutral and polar, at codon 219 of the ACTN1 protein (p.Pro219Thr). This variant is not present in population databases (gnomAD no frequency). This variant has not been reported in the literature in individuals affected with ACTN1-related conditions. ClinVar contains an entry for this variant (Variation ID: 3377362). Invitae Evidence Modeling of protein sequence and biophysical properties (such as structural, functional, and spatial information, amino acid conservation, physicochemical variation, residue mobility, and thermodynamic stability) has been performed for this missense variant. However, the output from this modeling did not meet the statistical confidence thresholds required to predict the impact of this variant on ACTN1 protein function. In summary, the available evidence is currently insufficient to determine the role of this variant in disease. Therefore, it has been classified as a Variant of Uncertain Significance.

Victorian Clinical Genetics Services, Murdoch Childrens Research Institute
Classification: Uncertain significance for Platelet-type bleeding disorder 15. Last evaluated: 2024-10-10. Review status: criteria provided, single submitter. Criteria: ACMG Guidelines, 2015. Collection method: clinical testing. Allele origin: germline. Inheritance: Autosomal dominant inheritance. Affected: yes.
Comment: Based on the classification scheme VCGS_Germline_v1.3.5, this variant is classified as VUS-3B. Following criteria are met: 0103 - Loss of function (LoF) and gain of function (GoF) are reported mechanisms of disease in this gene and are associated with platelet-type bleeding disorder 15 (MIM#615193). LoF and GoF have been reported for missense variants (PMIDs: 23434115, 30351444, 26879394, 31365757). (I) 0107 - This gene is associated with autosomal dominant disease. (I) 0200 - Variant is predicted to result in a missense amino acid change from proline to threonine. (I) 0251 - This variant is heterozygous. (I) 0301 - Variant is absent from gnomAD (v2, v3 and v4). (SP) 0309 - An alternative amino acid change at the same position has been observed in gnomAD (v4; 1 heterozygote, 0 homozygotes). (I) 0501 - Missense variant consistently predicted to be damaging by multiple in silico tools or highly conserved with a major amino acid change. (SP) 0600 - Variant is located in the annotated calponin homology domain (DECIPHER). (I) 0705 - No comparable missense variants have previous evidence for pathogenicity. (I) 0807 - This variant has no previous evidence of pathogenicity. (I) 0905 - No published segregation evidence has been identified for this variant. (I) 1007 - No published functional evidence has been identified for this variant. (I) 1208 - Inheritance information for this variant is not currently available in this individual. (I) Legend: (SP) - Supporting pathogenic, (I) - Information, (SB) - Supporting benign

Blueprint Genetics
Classification: Uncertain significance. Last evaluated: 2024-05-07. Review status: criteria provided, single submitter. Criteria: ACMG Guidelines, 2015. Collection method: clinical testing. Allele origin: germline.

Literature cited by the submitters: PubMed 23434115 (cited by Victorian Clinical Genetics Services, Murdoch Childrens Research Institute); PubMed 26879394 (cited by Victorian Clinical Genetics Services, Murdoch Childrens Research Institute); PubMed 30351444 (cited by Victorian Clinical Genetics Services, Murdoch Childrens Research Institute); PubMed 31365757 (cited by Victorian Clinical Genetics Services, Murdoch Childrens Research Institute).

NM_001130004.2(ACTN1):c.655C>A (p.Pro219Thr)

Gene: ACTN1 (actinin alpha 1; minus strand). Cytogenetic location: 14q24.1.
Variant type: single nucleotide variant.
Coding change: c.655C>A on transcript NM_001130004.2 (MANE Select); coding-DNA position 655, C replaced by A.
Protein change: p.Pro219Thr; replaces proline 219 with threonine.
Molecular consequence: missense variant. On other transcripts: 5 prime UTR variant (1).
Genome position (GRCh38, 1-based): chr14:68,904,676, G>T on the plus strand (C>A on the coding strand, the complement: ACTN1 is on the minus strand). VCF-style: chr14-68904676-G-T. GRCh37 (hg19) VCF-style: chr14-69371393-G-T.
Other names: c.655C>A, p.Pro219Thr (NM_001102.4, NM_001130005.2, NM_001411035.1 and 9 more transcripts); c.460C>A, p.Pro154Thr (NM_001411036.1, NM_001424026.1, NM_001424028.1); c.781C>A, p.Pro261Thr (NM_001424013.1); c.742C>A, p.Pro248Thr (NM_001424015.1); c.652C>A, p.Pro218Thr (NM_001424017.1); c.592C>A, p.Pro198Thr (NM_001424018.1, NM_001424020.1, NM_001424022.1); c.586C>A, p.Pro196Thr (NM_001424021.1); c.-256C>A (NM_001424030.1); short protein forms P154T, P196T, P198T, P218T, P219T, P248T, P261T.
Identifiers: ClinVar variation 3377362 (VCV003377362.3).